The following is an entry in ClinVar:

ClinVar aggregate classification (germline): Uncertain significance. Review status: criteria provided, multiple submitters, no conflicts (2 of 4 stars). 2 submissions from 2 submitters: Uncertain significance (2). Last evaluated 2025-09-20.

Conditions:
Gastrointestinal stromal tumor. Also called: Gastrointestinal stroma tumor; Gastrointestinal stromal tumor, somatic. Identifiers: Orphanet 44890, MedGen C0238198, MeSH D046152, MONDO:0011719, OMIM 606764, HP:0100723.
Hereditary cancer-predisposing syndrome. Also called: Tumor predisposition; Hereditary neoplastic syndrome; Neoplastic Syndromes, Hereditary; Hereditary Cancer Syndrome. Identifiers: Orphanet 140162, MedGen C0027672, MeSH D009386, MONDO:0015356.

Allele frequency attached by ClinVar (database versions not stated): gnomAD exomes below 0.00001.
gnomAD v4.1: 2 of 1,597,164 alleles (0.00013%); highest among the groups gnomAD compares: Non-Finnish European, 0.00017%; no homozygotes.

Submissions (2):

Labcorp Genetics (formerly Invitae), Labcorp
Classification: Uncertain significance for Gastrointestinal stromal tumor. Last evaluated: 2025-09-20. Review status: criteria provided, single submitter. Criteria: Invitae Variant Classification Sherloc (09022015). Collection method: clinical testing. Allele origin: germline.
Comment: This sequence change replaces serine, which is neutral and polar, with glycine, which is neutral and non-polar, at codon 377 of the PDGFRA protein (p.Ser377Gly). This variant is not present in population databases (gnomAD no frequency). This variant has not been reported in the literature in individuals affected with PDGFRA-related conditions. ClinVar contains an entry for this variant (Variation ID: 458985). Invitae Evidence Modeling of protein sequence and biophysical properties (such as structural, functional, and spatial information, amino acid conservation, physicochemical variation, residue mobility, and thermodynamic stability) indicates that this missense variant is not expected to disrupt PDGFRA protein function with a negative predictive value of 80%. In summary, the available evidence is currently insufficient to determine the role of this variant in disease. Therefore, it has been classified as a Variant of Uncertain Significance.

Ambry Genetics
Classification: Uncertain significance for Hereditary cancer-predisposing syndrome. Last evaluated: 2025-08-01. Review status: criteria provided, single submitter. Criteria: Ambry Variant Classification Scheme 2023. Collection method: clinical testing. Allele origin: germline.
Comment: The p.S377G variant (also known as c.1129A>G), located in coding exon 7 of the PDGFRA gene, results from an A to G substitution at nucleotide position 1129. The serine at codon 377 is replaced by glycine, an amino acid with similar properties. This amino acid position is highly conserved in available vertebrate species. In addition, this alteration is predicted to be tolerated by in silico analysis. Since supporting evidence is limited at this time, the clinical significance of this alteration remains unclear.

NM_006206.6(PDGFRA):c.1129A>G (p.Ser377Gly)

Gene: PDGFRA (platelet derived growth factor receptor alpha; plus strand). Cytogenetic location: 4q12.
Variant type: single nucleotide variant.
Coding change: c.1129A>G on transcript NM_006206.6 (MANE Select); coding-DNA position 1129, A replaced by G.
Protein change: p.Ser377Gly; replaces serine 377 with glycine.
Molecular consequence: missense variant.
Genome position (GRCh38, 1-based): chr4:54,270,640, A>G. VCF-style: chr4-54270640-A-G. GRCh37 (hg19) VCF-style: chr4-55136807-A-G.
Other names: c.1129A>G, p.Ser377Gly (NM_001347827.2, NM_001347829.2); c.1204A>G, p.Ser402Gly (NM_001347828.2); c.1168A>G, p.Ser390Gly (NM_001347830.2); short protein forms S377G, S390G, S402G.
Identifiers: ClinVar variation 458985 (VCV000458985.16), dbSNP rs1553903724, ClinGen allele CA356891876.